The following is an entry in ClinVar:

ClinVar aggregate classification (germline): Uncertain significance (1 of 4 stars; one submission).

Conditions:
Fetal akinesia deformation sequence 1 (FADS1). Also called: Pena-Shokeir syndrome type I; Fetal akinesia sequence. Identifiers: Orphanet 994, MedGen C1276035, MONDO:0100101, OMIM 208150, HP:0001989.
Congenital myasthenic syndrome 11. Also called: MYASTHENIC SYNDROME, CONGENITAL, Ie; Myasthenic syndrome, congenital, 11, associated with acetylcholine receptor deficiency. Identifiers: Orphanet 590, MedGen C4225367, MONDO:0014588, OMIM 616326.

Submission:

Labcorp Genetics (formerly Invitae), Labcorp
Classification: Uncertain significance for Congenital myasthenic syndrome 11; Fetal akinesia deformation sequence 1. Last evaluated: 2022-07-28. Review status: criteria provided, single submitter. Criteria: Invitae Variant Classification Sherloc (09022015). Collection method: clinical testing. Allele origin: germline.
Comment: This sequence change replaces glutamic acid, which is acidic and polar, with aspartic acid, which is acidic and polar, at codon 94 of the RAPSN protein (p.Glu94Asp). This variant is not present in population databases (gnomAD no frequency). This variant has not been reported in the literature in individuals affected with RAPSN-related conditions. Algorithms developed to predict the effect of missense changes on protein structure and function are either unavailable or do not agree on the potential impact of this missense change (SIFT: "Deleterious"; PolyPhen-2: "Probably Damaging"; Align-GVGD: "Class C0"). In summary, the available evidence is currently insufficient to determine the role of this variant in disease. Therefore, it has been classified as a Variant of Uncertain Significance.

NM_005055.5(RAPSN):c.282G>C (p.Glu94Asp)

Gene: RAPSN (receptor associated protein of the synapse; minus strand). Cytogenetic location: 11p11.2.
Variant type: single nucleotide variant.
Coding change: c.282G>C on transcript NM_005055.5 (MANE Select); coding-DNA position 282, G replaced by C.
Protein change: p.Glu94Asp; replaces glutamic acid 94 with aspartic acid.
Molecular consequence: missense variant.
Genome position (GRCh38, 1-based): chr11:47,448,061, C>G on the plus strand (G>C on the coding strand, the complement: RAPSN is on the minus strand). VCF-style: chr11-47448061-C-G. GRCh37 (hg19) VCF-style: chr11-47469613-C-G.
Other names: c.282G>C, p.Glu94Asp (NM_032645.5); short protein forms E94D.
Identifiers: ClinVar variation 2413791 (VCV002413791.8), dbSNP rs2153311324, ClinGen allele CA380334710.